The following is an entry in ClinVar:

ClinVar aggregate classification (germline): Uncertain significance. Review status: criteria provided, multiple submitters, no conflicts (2 of 4 stars). 3 submissions from 3 submitters: Uncertain significance (3). Last evaluated 2025-11-03.

Conditions:
Brugada syndrome 8 (BRGDA8). Identifiers: Orphanet 130, MedGen C2751083, MONDO:0013148, OMIM 613123.
Cardiovascular phenotype. Identifiers: MedGen CN230736.

Allele frequency attached by ClinVar (database versions not stated): gnomAD 0.00001; TOPMed 0.00001; gnomAD exomes 0.00002; ExAC 0.00008.
gnomAD v4.1: 51 of 1,521,762 alleles (0.0034%); highest among the groups gnomAD compares: Non-Finnish European, 0.0042%; no homozygotes.

Submissions (3):

Labcorp Genetics (formerly Invitae), Labcorp
Classification: Uncertain significance for Brugada syndrome 8. Last evaluated: 2025-11-03. Review status: criteria provided, single submitter. Criteria: Invitae Variant Classification Sherloc (09022015). Collection method: clinical testing. Allele origin: germline.
Comment: This sequence change replaces aspartic acid, which is acidic and polar, with histidine, which is basic and polar, at codon 42 of the HCN4 protein (p.Asp42His). This variant is present in population databases (rs752597565, gnomAD 0.009%). This variant has not been reported in the literature in individuals affected with HCN4-related conditions. ClinVar contains an entry for this variant (Variation ID: 641523). Invitae Evidence Modeling of protein sequence and biophysical properties (such as structural, functional, and spatial information, amino acid conservation, physicochemical variation, residue mobility, and thermodynamic stability) has been performed for this missense variant. However, the output from this modeling did not meet the statistical confidence thresholds required to predict the impact of this variant on HCN4 protein function. In summary, the available evidence is currently insufficient to determine the role of this variant in disease. Therefore, it has been classified as a Variant of Uncertain Significance.

Ambry Genetics
Classification: Uncertain significance for Cardiovascular phenotype. Last evaluated: 2025-06-25. Review status: criteria provided, single submitter. Criteria: Ambry Variant Classification Scheme 2023. Collection method: clinical testing. Allele origin: germline.

Blueprint Genetics
Classification: Uncertain significance. Last evaluated: 2023-07-31. Review status: criteria provided, single submitter. Criteria: ACMG Guidelines, 2015. Collection method: clinical testing. Allele origin: germline.

NM_005477.3(HCN4):c.124G>C (p.Asp42His)

Gene: HCN4 (hyperpolarization activated cyclic nucleotide gated potassium channel 4; minus strand). Cytogenetic location: 15q24.1.
Variant type: single nucleotide variant.
Coding change: c.124G>C on transcript NM_005477.3 (MANE Select); coding-DNA position 124, G replaced by C.
Protein change: p.Asp42His; replaces aspartic acid 42 with histidine.
Molecular consequence: missense variant.
Genome position (GRCh38, 1-based): chr15:73,368,147, C>G on the plus strand (G>C on the coding strand, the complement: HCN4 is on the minus strand). VCF-style: chr15-73368147-C-G. GRCh37 (hg19) VCF-style: chr15-73660488-C-G.
Other names: short protein forms D42H.
Identifiers: ClinVar variation 641523 (VCV000641523.22), dbSNP rs752597565, ClinGen allele CA7649502.